The following is an entry in ClinVar:

ClinVar aggregate classification (germline): Pathogenic/Likely pathogenic. Review status: criteria provided, multiple submitters, no conflicts (2 of 4 stars). 20 submissions from 19 submitters: Pathogenic (15); Likely pathogenic (1). 4 of the submissions do not count toward it. Last evaluated 2025-10-07.

Conditions:
KCNH1-related disorder. Also called: KCNH1-related disorders; KCNH1-related condition.
Temple-Baraitser syndrome (TMBTS). Also called: Severe mental retardation and absent nails of hallux and pollex. Identifiers: Orphanet 420561, MedGen C2678486, MONDO:0012735, OMIM 611816.
Zimmermann-Laband syndrome 1 (ZLS1). Identifiers: Orphanet 3473, MedGen C4551773, MONDO:0024526, OMIM 135500.
Inborn genetic diseases. Identifiers: MedGen C0950123, MeSH D030342.
Seizure. Also called: Seizures. Identifiers: MedGen C0036572, HP:0001250.
Severe intellectual disability. Identifiers: MedGen C0036857, HP:0010864.
Abnormal facial shape. Also called: Dysmorphic facies; Dysmorphic facial features. Identifiers: MedGen C0424503, HP:0001999.
Intellectual disability. Also called: intellectual disabilities; Intellectual functioning disability; Intellectual developmental disorder. Identifiers: MedGen C3714756, MeSH D008607, MONDO:0001071, HP:0001249.

Submissions 1 to 13 of 20:

Dasa
Classification: Pathogenic. Last evaluated: 2025-10-07. Review status: criteria provided, single submitter. Criteria: DASA Assertion Criteria. Collection method: clinical testing. Allele origin: germline.
Comment: NM_172362.3(KCNH1):c.1070G>A (p.Arg357Gln) is a missense variant that results in the substitution of arginine with glutamine. The affected residue or protein region has prior evidence supporting clinical relevance. De novo occurrence has been reported in an individual with related phenotype. Functional evidence supports a deleterious effect on the gene or gene product (PMID: 36285361; PMID: 26818738). This variant has been recurrently observed in individuals with related phenotype (PMID: 36285361; PMID: 26818738). Multiple computational predictions support a deleterious effect on the gene or gene product. The variant is present at low frequency in population datasets. Based on the available data, this variant is classified as pathogenic.

Genetics and Genomic Medicine Centre, NeuroGen Healthcare, NeuroGen Healthcare
Classification: Pathogenic for Temple-Baraitser syndrome. Last evaluated: 2025-07-10. Review status: criteria provided, single submitter. Criteria: ACMG Guidelines, 2015. Collection method: clinical testing. Allele origin: unknown. Affected: yes.

Women's Health and Genetics/Laboratory Corporation of America, LabCorp
Classification: Pathogenic for KCNH1-Related Disorders. Last evaluated: 2025-04-21. Review status: criteria provided, single submitter. Criteria: LabCorp Variant Classification Summary - May 2015. Collection method: clinical testing. Allele origin: germline.
Comment: Variant summary: KCNH1 c.1070G>A (p.Arg357Gln) results in a conservative amino acid change in the encoded protein sequence. Four of five in-silico tools predict a damaging effect of the variant on protein function. The variant was absent in 250740 control chromosomes. c.1070G>A has been observed in multiple individual(s) affected with Temple-Baraitser and Zimmermann-Laband Syndromes and neurodevelopmental delay/neurodevelopmental comorbidities, inlcuding at-least 4 de novo occurrences (examples, Bramswig_2015, Gripp_2021, Wu_2024). These data indicate that the variant is very likely to be associated with disease. To our knowledge, no experimental evidence demonstrating an impact on protein function has been reported. The following publications have been ascertained in the context of this evaluation (PMID: 26264464, 33594261, 38764027). ClinVar contains an entry for this variant (Variation ID: 279981). Based on the evidence outlined above, the variant was classified as pathogenic.

GeneDx
Classification: Pathogenic. Last evaluated: 2024-12-13. Review status: criteria provided, single submitter. Criteria: GeneDx Variant Classification Process June 2021. Collection method: clinical testing. Allele origin: germline. Affected: yes.
Comment: In silico analysis supports that this missense variant has a deleterious effect on protein structure/function; Not observed at significant frequency in large population cohorts (gnomAD); This variant is associated with the following publications: (PMID: 32860008, 26818738, 27267311, 28628100, 28867141, 31278258, 32581362, 33594261, 31785789, 33057194, 36801247, 37541188, 37853563, 35982159, 38372889, 26264464)

Blueprint Genetics
Classification: Pathogenic for KCNH1-related disorders. Last evaluated: 2024-07-25. Review status: criteria provided, single submitter. Criteria: ACMG Guidelines, 2015. Collection method: clinical testing. Allele origin: germline. Affected: yes. Observed: 1 variant allele.

Duke University Health System Sequencing Clinic, Duke University Health System
Classification: Pathogenic for Temple-Baraitser syndrome. Last evaluated: 2023-04-20. Review status: criteria provided, single submitter. Criteria: ACMG Guidelines, 2015. Collection method: research. Allele origin: de novo. Affected: yes.

Institute of Human Genetics, University of Leipzig Medical Center
Classification: Pathogenic for Zimmermann-Laband syndrome 1. Last evaluated: 2023-02-23. Review status: criteria provided, single submitter. Criteria: ACMG Guidelines, 2015. Collection method: clinical testing. Allele origin: unknown. Affected: yes.
Comment: _x000D_ Criteria applied: PS2_VSTR, PS4, PM5, PM2_SUP, PP2, PP3

Labcorp Genetics (formerly Invitae), Labcorp
Classification: Pathogenic. Last evaluated: 2022-12-22. Review status: criteria provided, single submitter. Criteria: Invitae Variant Classification Sherloc (09022015). Collection method: clinical testing. Allele origin: germline.
Comment: For these reasons, this variant has been classified as Pathogenic. Advanced modeling of protein sequence and biophysical properties (such as structural, functional, and spatial information, amino acid conservation, physicochemical variation, residue mobility, and thermodynamic stability) performed at Invitae indicates that this missense variant is expected to disrupt KCNH1 protein function. ClinVar contains an entry for this variant (Variation ID: 279981). This missense change has been observed in individual(s) with KCNH1-related conditions (PMID: 23020937, 26264464, 26818738). In at least one individual the variant was observed to be de novo. This sequence change replaces arginine, which is basic and polar, with glutamine, which is neutral and polar, at codon 357 of the KCNH1 protein (p.Arg357Gln). This variant is not present in population databases (gnomAD no frequency).

3billion
Classification: Pathogenic for Temple-Baraitser syndrome. Last evaluated: 2022-01-03. Review status: criteria provided, single submitter. Criteria: ACMG Guidelines, 2015. Collection method: clinical testing. Allele origin: germline. Affected: yes. Observed: 1 heterozygote.
Comment: The variant has been previously reported as de novo in a similarly affected individual (PMID: 26818738, PS2_S). Same nucleotide change resulting in same amino acid change has been previously reported as pathogenic/likely pathogenic with strong evidence (ClinVar ID: VCV000279981, PS1_S). In silico tool predictions suggest damaging effect of the variant on gene or gene product (REVEL: 0.872, 3CNET: 0.808, PP3_P). A missense variant is a common mechanism associated with Temple-Baraitser syndrome (PP2_P). It is not observed in the gnomAD v2.1.1 dataset (PM2_M). Therefore, this variant is classified as pathogenic according to the recommendation of ACMG/AMP guideline.

Laboratoire Génétique Moléculaire, CHRU TOURS
Classification: Pathogenic. Last evaluated: 2020-05-27. Review status: criteria provided, single submitter. Criteria: ACMG Guidelines, 2015. Collection method: clinical testing. Allele origin: de novo. Affected: yes.

Illumina Laboratory Services, Illumina
Classification: Pathogenic for KCNH1-related disorders. Last evaluated: 2020-01-20. Review status: criteria provided, single submitter. Criteria: ICSLVariantClassificationCriteria RUGD 01 April 2020. Collection method: clinical testing. Allele origin: unknown.
Comment: The KCNH1 c.1070G>A (p.Arg357Gln) variant is a missense variant that has been reported in two studies, in which it is found in a heterozygous, de novo state in five unrelated individuals with KCNH1-related disorders (Bramswig et al. 2015; Fukai et al. 2016). The clinical presentation of the affected individuals includes global developmental delay, epilepsy, neonatal hypotonia, nail aplasia/hypoplasia, broad thumbs or toes, long great toes, and craniofacial dysmorphism. The p.Arg357Gln variant is not found in the Genome Aggregation Database in a region of good sequence coverage, so the variant is presumed to be rare. Based on the collective evidence and application of the ACMG criteria, the p.Arg357Gln variant is classified as pathogenic for KCNH1-related disorders.

Cambridge Genomics Laboratory, East Genomic Laboratory Hub, NHS Genomic Medicine Service
Classification: Pathogenic for Intellectual disability. Last evaluated: 2019-12-30. Review status: criteria provided, single submitter. Criteria: ACGS Best Practice Guidelines for Variant Classification in Rare Disease 2020. Collection method: clinical testing. Allele origin: germline. Affected: yes. Observed: 1 variant allele.

Institute of Human Genetics, University of Leipzig Medical Center
Classification: Likely pathogenic for Temple-Baraitser syndrome. Last evaluated: 2019-01-01. Review status: criteria provided, single submitter. Criteria: ACMG Guidelines, 2015. Collection method: clinical testing. Allele origin: unknown. Affected: yes.

NM_172362.3(KCNH1):c.1070G>A (p.Arg357Gln)

Gene: KCNH1 (potassium voltage-gated channel subfamily H member 1; minus strand). Cytogenetic location: 1q32.2.
Variant type: single nucleotide variant.
Coding change: c.1070G>A on transcript NM_172362.3 (MANE Select); coding-DNA position 1070, G replaced by A.
Protein change: p.Arg357Gln; replaces arginine 357 with glutamine.
Molecular consequence: missense variant.
Genome position (GRCh38, 1-based): chr1:210,920,032, C>T on the plus strand (G>A on the coding strand, the complement: KCNH1 is on the minus strand). VCF-style: chr1-210920032-C-T. GRCh37 (hg19) VCF-style: chr1-211093374-C-T.
Other names: c.989G>A, p.Arg330Gln (NM_002238.4); short protein forms R357Q, R330Q.
Identifiers: ClinVar variation 279981 (VCV000279981.35), dbSNP rs886041300, ClinGen allele CA10602773.